The following is an entry in ClinVar:

NM_178452.6(DNAAF1):c.1040C>G (p.Thr347Arg)

Gene: DNAAF1 (dynein axonemal assembly factor 1; plus strand). Cytogenetic location: 16q24.1.
Variant type: single nucleotide variant.
Coding change: c.1040C>G on transcript NM_178452.6 (MANE Select); coding-DNA position 1040, C replaced by G.
Protein change: p.Thr347Arg; replaces threonine 347 with arginine.
Molecular consequence: missense variant.
Genome position (GRCh38, 1-based): chr16:84,169,868, C>G. VCF-style: chr16-84169868-C-G. GRCh37 (hg19) VCF-style: chr16-84203474-C-G.
Other names: c.332C>G, p.Thr111Arg (NM_001318756.1); short protein forms T111R, T347R.
Identifiers: ClinVar variation 639150 (VCV000639150.1), dbSNP rs771177373, ClinGen allele CA8202752.

ClinVar aggregate classification (germline): Uncertain significance (1 of 4 stars; one submission).

Conditions:
Primary ciliary dyskinesia. Also called: Ciliary dyskinesia. Identifiers: Orphanet 244, MedGen C0008780, MONDO:0016575, HP:0012265.

Allele frequency attached by ClinVar (database versions not stated): gnomAD below 0.00001 and 0.00001; ExAC 0.00004; gnomAD exomes 0.00004.
gnomAD v4.1: 32 of 1,613,704 alleles (0.002%); highest among the groups gnomAD compares: South Asian, 0.03%; no homozygotes.

Submission:

Labcorp Genetics (formerly Invitae), Labcorp
Classification: Uncertain significance for Primary ciliary dyskinesia. Last evaluated: 2018-09-28. Review status: criteria provided, single submitter. Criteria: Invitae Variant Classification Sherloc (09022015). Collection method: clinical testing. Allele origin: germline.
Comment: This sequence change replaces threonine with arginine at codon 347 of the DNAAF1 protein (p.Thr347Arg). The threonine residue is weakly conserved and there is a moderate physicochemical difference between threonine and arginine. This variant is present in population databases (rs771177373, ExAC 0.03%). This variant has not been reported in the literature in individuals with DNAAF1-related disease. Algorithms developed to predict the effect of missense changes on protein structure and function (SIFT, PolyPhen-2, Align-GVGD) all suggest that this variant is likely to be tolerated, but these predictions have not been confirmed by published functional studies and their clinical significance is uncertain. In summary, the available evidence is currently insufficient to determine the role of this variant in disease. Therefore, it has been classified as a Variant of Uncertain Significance.